The following is an entry in ClinVar:

ClinVar aggregate classification (germline): Uncertain significance (1 of 4 stars; one submission).

Submission:

Labcorp Genetics (formerly Invitae), Labcorp
Classification: Uncertain significance. Last evaluated: 2022-04-18. Review status: criteria provided, single submitter. Criteria: Invitae Variant Classification Sherloc (09022015). Collection method: clinical testing. Allele origin: germline.
Comment: In summary, the available evidence is currently insufficient to determine the role of this variant in disease. Therefore, it has been classified as a Variant of Uncertain Significance. This sequence change replaces valine, which is neutral and non-polar, with phenylalanine, which is neutral and non-polar, at codon 715 of the NSUN2 protein (p.Val715Phe). This variant is not present in population databases (gnomAD no frequency). This variant has not been reported in the literature in individuals affected with NSUN2-related conditions. Algorithms developed to predict the effect of missense changes on protein structure and function (SIFT, PolyPhen-2, Align-GVGD) all suggest that this variant is likely to be tolerated.

NM_017755.6(NSUN2):c.2143G>T (p.Val715Phe)

Gene: NSUN2 (NOP2/Sun RNA methyltransferase 2; minus strand). Cytogenetic location: 5p15.31.
Variant type: single nucleotide variant.
Coding change: c.2143G>T on transcript NM_017755.6 (MANE Select); coding-DNA position 2143, G replaced by T.
Protein change: p.Val715Phe; replaces valine 715 with phenylalanine.
Molecular consequence: missense variant. On other transcripts: non-coding transcript variant (1).
Genome position (GRCh38, 1-based): chr5:6,600,087, C>A on the plus strand (G>T on the coding strand, the complement: NSUN2 is on the minus strand). VCF-style: chr5-6600087-C-A. GRCh37 (hg19) VCF-style: chr5-6600200-C-A.
Other names: c.2038G>T, p.Val680Phe (NM_001193455.2); short protein forms V680F, V715F.
Identifiers: ClinVar variation 2122460 (VCV002122460.4), dbSNP rs112951498, ClinGen allele CA359128620.